The following is an entry in ClinVar:

ClinVar aggregate classification (germline): Uncertain significance (1 of 4 stars; one submission).

Conditions:
Bethlem myopathy 1A. Also called: Bethlem myopathy 1; MYOPATHY, BENIGN CONGENITAL, WITH CONTRACTURES; Bethlem Muscular Dystrophy. Identifiers: Orphanet 610, MedGen CN029274, MONDO:0024530, OMIM 158810.

gnomAD v4.1: 1 of 1,614,070 alleles (0.000062%); highest among the groups gnomAD compares: Non-Finnish European, 0.000085%; no homozygotes.

Submission:

Labcorp Genetics (formerly Invitae), Labcorp
Classification: Uncertain significance for Bethlem myopathy 1A. Last evaluated: 2024-12-10. Review status: criteria provided, single submitter. Criteria: Invitae Variant Classification Sherloc (09022015). Collection method: clinical testing. Allele origin: germline.
Comment: This sequence change replaces leucine, which is neutral and non-polar, with valine, which is neutral and non-polar, at codon 379 of the COL6A3 protein (p.Leu379Val). This variant is not present in population databases (gnomAD no frequency). This variant has not been reported in the literature in individuals affected with COL6A3-related conditions. Invitae Evidence Modeling of protein sequence and biophysical properties (such as structural, functional, and spatial information, amino acid conservation, physicochemical variation, residue mobility, and thermodynamic stability) indicates that this missense variant is not expected to disrupt COL6A3 protein function with a negative predictive value of 95%. In summary, the available evidence is currently insufficient to determine the role of this variant in disease. Therefore, it has been classified as a Variant of Uncertain Significance.

NM_004369.4(COL6A3):c.1135C>G (p.Leu379Val)

Gene: COL6A3 (collagen type VI alpha 3 chain; minus strand). Cytogenetic location: 2q37.3.
Variant type: single nucleotide variant.
Coding change: c.1135C>G on transcript NM_004369.4 (MANE Select); coding-DNA position 1135, C replaced by G.
Protein change: p.Leu379Val; replaces leucine 379 with valine.
Molecular consequence: missense variant. On other transcripts: intron variant (2).
Genome position (GRCh38, 1-based): chr2:237,387,759, G>C on the plus strand (C>G on the coding strand, the complement: COL6A3 is on the minus strand). VCF-style: chr2-237387759-G-C. GRCh37 (hg19) VCF-style: chr2-238296402-G-C.
Other names: c.517C>G, p.Leu173Val (NM_057165.5, NM_057167.4); c.92-6260C>G (NM_057166.5, NM_057164.5); short protein forms L173V, L379V.
Identifiers: ClinVar variation 3634147 (VCV003634147.2).